The following is an entry in ClinVar:

NM_001379270.1(CNGA1):c.1525G>A (p.Gly509Arg)

Genes: CNGA1 (cyclic nucleotide gated channel subunit alpha 1; minus strand), LOC101927157 (uncharacterized LOC101927157; plus strand). Cytogenetic location: 4p12.
Variant type: single nucleotide variant.
Coding change: c.1525G>A on transcript NM_001379270.1 (MANE Select); coding-DNA position 1525, G replaced by A.
Protein change: p.Gly509Arg; replaces glycine 509 with arginine.
Molecular consequence: missense variant.
Genome position (GRCh38, 1-based): chr4:47,936,957, C>T on the plus strand (G>A on the coding strand, the complement: CNGA1 is on the minus strand). VCF-style: chr4-47936957-C-T. GRCh37 (hg19) VCF-style: chr4-47938974-C-T.
Other names: CNGA1, GLY509ARG (rs544588016); c.1525G>A, p.Gly509Arg (NM_000087.5, NM_001142564.2); short protein forms G509R.
Identifiers: ClinVar variation 1068762 (VCV001068762.13), dbSNP rs544588016, ClinGen allele CA2911062.

ClinVar aggregate classification (germline): Pathogenic. Review status: criteria provided, multiple submitters, no conflicts (2 of 4 stars). 5 submissions from 5 submitters: Pathogenic (4). 1 of the submissions does not count toward it. Last evaluated 2022-10-31.

Conditions:
CNGA1-related retinopathy. Identifiers: MedGen CN322611, MONDO:0800405.
CNGA1-related disorder. Also called: CNGA1-related condition.
Retinitis pigmentosa 49 (RP49). Identifiers: Orphanet 791, MedGen C3151059, MONDO:0013405, OMIM 613756.

Allele frequency attached by ClinVar (database versions not stated): gnomAD exomes below 0.00001 and 0.00001; TOPMed below 0.00001; gnomAD 0.00001 and 0.00002; ExAC 0.00002; 1000 Genomes Project 30x 0.00016; 1000 Genomes Project 0.00020.

Submissions (5):

Department of Pathology and Laboratory Medicine, Sinai Health System
Classification: Pathogenic for CNGA1-related retinopathy. Last evaluated: 2022-10-31. Review status: criteria provided, single submitter. Criteria: ACMG Guidelines, 2015. Collection method: research. Allele origin: germline.

Labcorp Genetics (formerly Invitae), Labcorp
Classification: Pathogenic. Last evaluated: 2022-10-05. Review status: criteria provided, single submitter. Criteria: Invitae Variant Classification Sherloc (09022015). Collection method: clinical testing. Allele origin: germline.
Comment: Algorithms developed to predict the effect of missense changes on protein structure and function (SIFT, PolyPhen-2, Align-GVGD) all suggest that this variant is likely to be disruptive. This sequence change replaces glycine, which is neutral and non-polar, with arginine, which is basic and polar, at codon 513 of the CNGA1 protein (p.Gly513Arg). This variant is present in population databases (rs544588016, gnomAD 0.003%). This missense change has been observed in individual(s) with autosomal recessive retinitis pigmentosa (PMID: 26802146; externalcommunication). In at least one individual the data is consistent with being in trans (on the opposite chromosome) from a pathogenic variant. It has also been observed to segregate with disease in related individuals. ClinVar contains an entry for this variant (Variation ID: 1068762). Experimental studies have shown that this missense change affects CNGA1 function (PMID: 26802146). For these reasons, this variant has been classified as Pathogenic.

Blueprint Genetics
Classification: Pathogenic for CNGA1-related disorders. Last evaluated: 2019-09-29. Review status: criteria provided, single submitter. Criteria: ACMG Guidelines, 2015. Collection method: clinical testing. Allele origin: germline. Affected: yes. Observed: 5 variant alleles.

Juno Genomics, Hangzhou Juno Genomics, Inc
Classification: Pathogenic for Retinitis pigmentosa 49. Review status: criteria provided, single submitter. Criteria: ACMG Guidelines, 2015. Collection method: clinical testing. Allele origin: germline.
Comment: Absent from controls (or at extremely low frequency if recessive) in Genome Aggregation Database.;Multiple lines of computational evidence support a deleterious effect on the gene or gene product.;For recessive disorders, detected in trans with a pathogenic variant.;Co-segregation with disease in multiple affected family members.;Patient's phenotype or family history is highly specific for a disease with a single genetic etiology.

OMIM
Classification: Pathogenic for RETINITIS PIGMENTOSA 49. Last evaluated: 2023-02-23. Review status: no assertion criteria provided. Collection method: literature only. Allele origin: germline. Not counted in ClinVar's aggregate classification.

Literature cited by the submitters: PubMed 26802146 (cited by Labcorp Genetics (formerly Invitae), Labcorp); PubMed 36115851 (cited by OMIM).